The following is an entry in ClinVar:

ClinVar aggregate classification (germline): Uncertain significance. Review status: criteria provided, multiple submitters, no conflicts (2 of 4 stars). 2 submissions from 2 submitters: Uncertain significance (2). Last evaluated 2024-01-09.

Conditions:
Maple syrup urine disease (MSUD). Identifiers: Orphanet 511, MedGen C0024776, MeSH D008375, MONDO:0009563. Disease mechanism: loss of function.
Inborn genetic diseases. Identifiers: MedGen C0950123, MeSH D030342.

Allele frequency attached by ClinVar (database versions not stated): gnomAD 0.00001; gnomAD exomes 0.00001; TOPMed 0.00001.
gnomAD v4.1: 18 of 1,608,182 alleles (0.0011%); highest among the groups gnomAD compares: East Asian, 0.0045%; no homozygotes.

Submissions (2):

Ambry Genetics
Classification: Uncertain significance for Inborn genetic diseases. Last evaluated: 2024-01-09. Review status: criteria provided, single submitter. Criteria: Ambry Variant Classification Scheme 2023. Collection method: clinical testing. Allele origin: germline.

Labcorp Genetics (formerly Invitae), Labcorp
Classification: Uncertain significance for Maple syrup urine disease. Last evaluated: 2022-04-08. Review status: criteria provided, single submitter. Criteria: Invitae Variant Classification Sherloc (09022015). Collection method: clinical testing. Allele origin: germline.
Comment: This sequence change replaces isoleucine, which is neutral and non-polar, with valine, which is neutral and non-polar, at codon 98 of the DBT protein (p.Ile98Val). This variant is not present in population databases (gnomAD no frequency). This variant has not been reported in the literature in individuals affected with DBT-related conditions. Advanced modeling of protein sequence and biophysical properties (such as structural, functional, and spatial information, amino acid conservation, physicochemical variation, residue mobility, and thermodynamic stability) performed at Invitae indicates that this missense variant is not expected to disrupt DBT protein function. In summary, the available evidence is currently insufficient to determine the role of this variant in disease. Therefore, it has been classified as a Variant of Uncertain Significance.

NM_001918.5(DBT):c.292A>G (p.Ile98Val)

Gene: DBT (dihydrolipoamide branched chain transacylase E2; minus strand). Cytogenetic location: 1p21.2.
Variant type: single nucleotide variant.
Coding change: c.292A>G on transcript NM_001918.5 (MANE Select); coding-DNA position 292, A replaced by G.
Protein change: p.Ile98Val; replaces isoleucine 98 with valine.
Molecular consequence: missense variant. On other transcripts: 5 prime UTR variant (2), non-coding transcript variant (3).
Genome position (GRCh38, 1-based): chr1:100,230,874, T>C on the plus strand (A>G on the coding strand, the complement: DBT is on the minus strand). VCF-style: chr1-100230874-T-C. GRCh37 (hg19) VCF-style: chr1-100696430-T-C.
Other names: c.292A>G (NM_001918.2); c.-252A>G (NM_001399969.1, NM_001399972.1); short protein forms I98V.
Identifiers: ClinVar variation 2147211 (VCV002147211.2), dbSNP rs772411032, ClinGen allele CA27596990.
Genomic context (GRCh38, chr1:100,230,874, plus strand): 5'-TGACTCCATCATAACGACTAGTGATGGTAACAGAAGCTTTATCACTTTGAACTTCACAGA[T>C]GCTATCAAACTGAGACACTGTATCTCCTTCTTTTACATACCTAAAAGAAAAAGAAATGAG-3'
Protein context (NP_001909.4, residues 88-108): EGDTVSQFDS[Ile98Val]CEVQSDKASV